The following is an entry in ClinVar:

NM_024312.5(GNPTAB):c.3158T>C (p.Met1053Thr)

Gene: GNPTAB (N-acetylglucosamine-1-phosphate transferase subunits alpha and beta; minus strand). Cytogenetic location: 12q23.2.
Variant type: single nucleotide variant.
Coding change: c.3158T>C on transcript NM_024312.5 (MANE Select); coding-DNA position 3158, T replaced by C.
Protein change: p.Met1053Thr; replaces methionine 1053 with threonine.
Molecular consequence: missense variant.
Genome position (GRCh38, 1-based): chr12:101,760,121, A>G on the plus strand (T>C on the coding strand, the complement: GNPTAB is on the minus strand). VCF-style: chr12-101760121-A-G. GRCh37 (hg19) VCF-style: chr12-102153899-A-G.
Other names: c.3158T>C (NM_024312.4); short protein forms M1053T.
Identifiers: ClinVar variation 1384634 (VCV001384634.7), dbSNP rs150160103, ClinGen allele CA6746242.

ClinVar aggregate classification (germline): Uncertain significance. Review status: criteria provided, multiple submitters, no conflicts (2 of 4 stars). 3 submissions from 3 submitters: Uncertain significance (3). Last evaluated 2026-08-06.

Conditions:
Mucolipidosis type II. Also called: Mucolipidosis 2; ML 2; Inclusion cell disease; Leroy Disease; N-acetylglucosamine 1phosphotransferase deficiency; ML disorder type 2. Identifiers: Orphanet 576, MedGen C2673377, MONDO:0009650, OMIM 252500.
Pseudo-Hurler polydystrophy. Also called: ML IIIA; Mucolipidosis III Alpha/Beta; MUCOLIPIDOSIS IIIA; ML III; ML III ALPHA/BETA; Type III Mucolipidosis. Identifiers: Orphanet 423461, Orphanet 577, MedGen C0033788, MONDO:0018931, OMIM 252600.
Inborn genetic diseases. Identifiers: MedGen C0950123, MeSH D030342.

Allele frequency attached by ClinVar (database versions not stated): ExAC 0.00002; gnomAD exomes 0.00002 and 0.00001; ESP Exome Variant Server 0.00008; TOPMed 0.00015; gnomAD 0.00009 and 0.00010.

Submissions (3):

OLLIN Analises Genomicas, OLLIN
Classification: Uncertain significance for Mucolipidosis type II. Last evaluated: 2026-08-06. Review status: criteria provided, single submitter. Criteria: ACMG Guidelines 2015 PMID 25741868. Collection method: clinical testing. Allele origin: germline. Inheritance: Autosomal recessive inheritance.
Comment: This missense variant, located in exon 16 (of 21), has been reported in ClinVar (accession VCV001384634.6) and in gnomAD with an allele frequency of 0.002%. However, to our knowledge, it has not been reported in the scientific literature. In silico analysis is inconclusive regarding the impact of this variant. According to the currently available evidence, this variant has been classified as uncertain significance (PM2_P).

Ambry Genetics
Classification: Uncertain significance for Inborn genetic diseases. Last evaluated: 2024-04-12. Review status: criteria provided, single submitter. Criteria: Ambry Variant Classification Scheme 2023. Collection method: clinical testing. Allele origin: germline.

Labcorp Genetics (formerly Invitae), Labcorp
Classification: Uncertain significance for Pseudo-Hurler polydystrophy; Mucolipidosis type II. Last evaluated: 2022-04-17. Review status: criteria provided, single submitter. Criteria: Invitae Variant Classification Sherloc (09022015). Collection method: clinical testing. Allele origin: germline.
Comment: This sequence change replaces methionine, which is neutral and non-polar, with threonine, which is neutral and polar, at codon 1053 of the GNPTAB protein (p.Met1053Thr). This variant is present in population databases (rs150160103, gnomAD 0.02%). This variant has not been reported in the literature in individuals affected with GNPTAB-related conditions. Advanced modeling of protein sequence and biophysical properties (such as structural, functional, and spatial information, amino acid conservation, physicochemical variation, residue mobility, and thermodynamic stability) performed at Invitae indicates that this missense variant is not expected to disrupt GNPTAB protein function. In summary, the available evidence is currently insufficient to determine the role of this variant in disease. Therefore, it has been classified as a Variant of Uncertain Significance.